The following is an entry in ClinVar:

ClinVar aggregate classification (germline): Pathogenic (1 of 4 stars; one submission).

Conditions:
Luscan-Lumish syndrome. Identifiers: Orphanet 597738, MedGen C4085873, MONDO:0014791, OMIM 616831.

gnomAD v4.1: 1 of 1,606,954 alleles (0.000062%); highest among the groups gnomAD compares: Non-Finnish European, 0.000085%; no homozygotes.

Submission:

Labcorp Genetics (formerly Invitae), Labcorp
Classification: Pathogenic for Luscan-Lumish syndrome. Last evaluated: 2021-06-02. Review status: criteria provided, single submitter. Criteria: Invitae Variant Classification Sherloc (09022015). Collection method: clinical testing. Allele origin: germline.
Comment: This sequence change creates a premature translational stop signal (p.Arg1459*) in the SETD2 gene. It is expected to result in an absent or disrupted protein product. Loss-of-function variants in SETD2 are known to be pathogenic (PMID: 24852293, 26084711). This variant is not present in population databases (ExAC no frequency). This variant has been observed in individual(s) with clinical features of Luscan-Lumish syndrome (PMID: 32668055). For these reasons, this variant has been classified as Pathogenic.

Literature cited by the submitters: PubMed 24852293; PubMed 26084711; PubMed 32668055.

NM_014159.7(SETD2):c.4375C>T (p.Arg1459Ter)

Gene: SETD2 (SET domain containing 2, histone lysine methyltransferase; minus strand). Cytogenetic location: 3p21.31.
Variant type: single nucleotide variant.
Coding change: c.4375C>T on transcript NM_014159.7 (MANE Select); coding-DNA position 4375, C replaced by T.
Protein change: p.Arg1459Ter; replaces arginine 1459 with a stop codon.
Molecular consequence: nonsense. On other transcripts: non-coding transcript variant (1).
Genome position (GRCh38, 1-based): chr3:47,120,261, G>A on the plus strand (C>T on the coding strand, the complement: SETD2 is on the minus strand). VCF-style: chr3-47120261-G-A. GRCh37 (hg19) VCF-style: chr3-47161751-G-A.
Other names: c.4243C>T, p.Arg1415Ter (NM_001349370.3); short protein forms R1415*, R1459*.
Identifiers: ClinVar variation 1434833 (VCV001434833.8), dbSNP rs2107739635, ClinGen allele CA352517540.